The following is an entry in ClinVar:

ClinVar aggregate classification (germline): Pathogenic (1 of 4 stars; one submission).

Submission:

Labcorp Genetics (formerly Invitae), Labcorp
Classification: Pathogenic. Last evaluated: 2021-08-09. Review status: criteria provided, single submitter. Criteria: Invitae Variant Classification Sherloc (09022015). Collection method: clinical testing. Allele origin: germline.
Comment: This premature translational stop signal has been observed in individual(s) with X-linked hypophosphatemia (Invitae). For these reasons, this variant has been classified as Pathogenic. This variant disrupts a region of the PHEX protein in which other variant(s) (p.Arg747*) have been determined to be pathogenic (PMID: 9199930, 9768674). This suggests that this is a clinically significant region of the protein, and that variants that disrupt it are likely to be disease-causing. This variant is not present in population databases (ExAC no frequency). This sequence change creates a premature translational stop signal (p.Cys733*) in the PHEX gene. While this is not anticipated to result in nonsense mediated decay, it is expected to disrupt the last 17 amino acid(s) of the PHEX protein.

Literature cited by the submitters: PubMed 9199930; PubMed 9768674.

NM_000444.6(PHEX):c.2199T>A (p.Cys733Ter)

Genes: PTCHD1-AS (PTCHD1 and PHEX antisense RNA; minus strand), PHEX (phosphate regulating endopeptidase X-linked; plus strand). Cytogenetic location: Xp22.11.
Variant type: single nucleotide variant.
Coding change: c.2199T>A on transcript NM_000444.6 (MANE Select); coding-DNA position 2199, T replaced by A.
Protein change: p.Cys733Ter; replaces cysteine 733 with a stop codon.
Molecular consequence: nonsense. On other transcripts: 3 prime UTR variant (1).
Genome position (GRCh38, 1-based): chrX:22,247,902, T>A. VCF-style: chrX-22247902-T-A. GRCh37 (hg19) VCF-style: chrX-22266019-T-A.
Other names: c.*34T>A (NM_001282754.2); short protein forms C733*.
Identifiers: ClinVar variation 1455303 (VCV001455303.6), dbSNP rs2147217348, ClinGen allele CA412575463.